The following is an entry in ClinVar:

ClinVar aggregate classification (germline): Uncertain significance (1 of 4 stars; one submission).

Allele frequency attached by ClinVar (database versions not stated): gnomAD exomes below 0.00001.
gnomAD v4.1: 1 of 1,613,886 alleles (0.000062%); highest among the groups gnomAD compares: Non-Finnish European, 0.000085%; no homozygotes.

Submission:

GeneDx
Classification: Uncertain significance. Last evaluated: 2021-10-19. Review status: criteria provided, single submitter. Criteria: GeneDx Variant Classification Process June 2021. Collection method: clinical testing. Allele origin: germline. Affected: yes.
Comment: Not observed at significant frequency in large population cohorts (Lek et al., 2016); In silico analysis, which includes protein predictors and evolutionary conservation, supports a deleterious effect; Has not been previously published as pathogenic or benign to our knowledge

NM_001205293.3(CACNA1E):c.4432C>T (p.Pro1478Ser)

Gene: CACNA1E (calcium voltage-gated channel subunit alpha1 E; plus strand). Cytogenetic location: 1q25.3.
Variant type: single nucleotide variant.
Coding change: c.4432C>T on transcript NM_001205293.3 (MANE Select); coding-DNA position 4432, C replaced by T.
Protein change: p.Pro1478Ser; replaces proline 1478 with serine.
Molecular consequence: missense variant.
Genome position (GRCh38, 1-based): chr1:181,758,049, C>T. VCF-style: chr1-181758049-C-T. GRCh37 (hg19) VCF-style: chr1-181727185-C-T.
Other names: c.4432C>T, p.Pro1478Ser (NM_000721.4); c.4375C>T, p.Pro1459Ser (NM_001205294.2); short protein forms P1478S, P1459S.
Identifiers: ClinVar variation 1321095 (VCV001321095.2), dbSNP rs2102694851, ClinGen allele CA343625071.
Genomic context (GRCh38, chr1:181,758,049, plus strand): 5'-CGCTACATGCCGCAGAACAGACACACCTTCCAGTACCGCGTGTGGCACTTTGTGGTGTCT[C>T]CGTCCTTTGAGTACACCATTATGGCCATGATCGCCTTGAATACTGTTGTGCTGATGATGA-3'
Protein context (NP_001192222.1, residues 1468-1488): QYRVWHFVVS[Pro1478Ser]SFEYTIMAMI